The following is an entry in ClinVar:

ClinVar aggregate classification (germline): Benign/Likely benign. Review status: criteria provided, multiple submitters, no conflicts (2 of 4 stars). 15 submissions from 14 submitters: Benign (3); Likely benign (10). 2 of the submissions do not count toward it. Last evaluated 2026-01-26.

Conditions:
Lethal Kniest-like syndrome (DDSH). Also called: Dyssegmental Dysplasia. Identifiers: Orphanet 1865, MedGen C1857100, MONDO:0009140, OMIM 224410.
Schwartz-Jampel syndrome type 1 (SJS1). Also called: MYOTONIC MYOPATHY, DWARFISM, CHONDRODYSTROPHY, AND OCULAR AND FACIAL ABNORMALITIES; CHONDRODYSTROPHIC MYOTONIA. Identifiers: MedGen C4551479, MONDO:0100435, OMIM 255800.
Connective tissue disorder. Also called: Connective tissue disease. Identifiers: MedGen C0009782, MONDO:0003900.
Schwartz-Jampel syndrome. Also called: Myotonic myopathy dwarfism chondrodystrophy and ocular and facial abnormalities. Identifiers: Orphanet 800, MedGen C0036391, MONDO:0009717.

Allele frequency attached by ClinVar (database versions not stated): 1000 Genomes Project 0.00020; 1000 Genomes Project 30x 0.00031; gnomAD exomes 0.00174; ExAC 0.00179; TOPMed 0.00179; gnomAD 0.00182 and 0.00188; ESP Exome Variant Server 0.00192.
gnomAD v4.1: 4,181 of 1,613,880 alleles (0.26%); highest among the groups gnomAD compares: Middle Eastern, 1.3%; 13 homozygotes.

Submissions (15):

Labcorp Genetics (formerly Invitae), Labcorp
Classification: Benign. Last evaluated: 2026-01-26. Review status: criteria provided, single submitter. Criteria: Invitae Variant Classification Sherloc (09022015). Collection method: clinical testing. Allele origin: germline.

CeGaT Center for Human Genetics Tuebingen
Classification: Likely benign. Last evaluated: 2026-01-01. Review status: criteria provided, single submitter. Criteria: CeGaT Center For Human Genetics Tuebingen Variant Classification Criteria Version 2. Collection method: clinical testing. Allele origin: germline. Affected: yes. Observed: 9 variant alleles.
Comment: HSPG2: BS1

Blueprint Genetics
Classification: Likely benign. Last evaluated: 2024-11-26. Review status: criteria provided, single submitter. Criteria: ACMG Guidelines, 2015. Collection method: clinical testing. Allele origin: germline.

Revvity Omics, Revvity
Classification: Likely benign. Last evaluated: 2023-11-01. Review status: criteria provided, single submitter. Criteria: ACMG Guidelines, 2015. Collection method: clinical testing. Allele origin: germline.

Genome Diagnostics Laboratory, The Hospital for Sick Children
Classification: Benign for Connective tissue disorder. Last evaluated: 2022-04-04. Review status: criteria provided, single submitter. Criteria: ACMG Guidelines, 2015. Collection method: clinical testing. Allele origin: germline.

Fulgent Genetics
Classification: Likely benign for Lethal Kniest-like syndrome; Schwartz-Jampel syndrome type 1. Last evaluated: 2022-02-15. Review status: criteria provided, single submitter. Criteria: ACMG Guidelines, 2015. Collection method: clinical testing. Allele origin: unknown.

Department of Pathology and Laboratory Medicine, Sinai Health System
Classification: Likely benign for Lethal Kniest-like syndrome; Schwartz-Jampel syndrome type 1. Last evaluated: 2021-07-30. Review status: criteria provided, single submitter. Criteria: ACMG Guidelines, 2015. Collection method: research. Allele origin: germline.

Athena Diagnostics
Classification: Likely benign. Last evaluated: 2021-03-16. Review status: criteria provided, single submitter. Criteria: Athena Diagnostics criteria. Collection method: clinical testing. Allele origin: unknown.

GeneDx
Classification: Benign. Last evaluated: 2019-08-07. Review status: criteria provided, single submitter. Criteria: GeneDx Variant Classification Process June 2021. Collection method: clinical testing. Allele origin: germline. Affected: yes.

Eurofins Ntd Llc (ga)
Classification: Likely benign. Last evaluated: 2018-05-22. Review status: criteria provided, single submitter. Criteria: EGL ClinVar v180209 classification definitions. Collection method: clinical testing. Allele origin: germline. Observed: 1 variant allele, 1 heterozygote.

Illumina Laboratory Services, Illumina
Classification: Likely benign for Schwartz-Jampel syndrome type 1. Last evaluated: 2018-01-12. Review status: criteria provided, single submitter. Criteria: ICSL Variant Classification Criteria 13 December 2019. Collection method: clinical testing. Allele origin: germline.
Comment: This variant was observed in the ICSL laboratory as part of a predisposition screen in an ostensibly healthy population. It had not been previously curated by ICSL or reported in the Human Gene Mutation Database (HGMD: prior to June 1st, 2018), and was therefore a candidate for classification through an automated scoring system. Utilizing variant allele frequency, disease prevalence and penetrance estimates, and inheritance mode, an automated score was calculated to assess if this variant is too frequent to cause the disease. Based on the score and internal cut-off values, a variant classified as likely benign is not then subjected to further curation. The score for this variant resulted in a classification of likely benign for this disease.

Illumina Laboratory Services, Illumina
Classification: Likely benign for Lethal Kniest-like syndrome. Last evaluated: 2018-01-12. Review status: criteria provided, single submitter. Criteria: ICSL Variant Classification Criteria 13 December 2019. Collection method: clinical testing. Allele origin: germline.
Comment: the same text as in the submission from Illumina Laboratory Services, Illumina above.

Breakthrough Genomics
Classification: Likely benign. Review status: criteria provided, single submitter. Criteria: ACMG Guidelines, 2015. Collection method: not provided. Allele origin: germline. Inheritance: Autosomal recessive inheritance. Affected: yes.

Clinical Genetics DNA and cytogenetics Diagnostics Lab, Erasmus MC, Erasmus Medical Center
Classification: Likely benign. Review status: no assertion criteria provided. Collection method: clinical testing. Allele origin: germline. Affected: yes. Study: VKGL Data-share Consensus. Not counted in ClinVar's aggregate classification.

Laboratory of Diagnostic Genome Analysis, Leiden University Medical Center (LUMC)
Classification: Likely benign. Review status: no assertion criteria provided. Collection method: clinical testing. Allele origin: germline. Affected: yes. Study: VKGL Data-share Consensus. Not counted in ClinVar's aggregate classification.

NM_005529.7(HSPG2):c.8044C>T (p.Arg2682Trp)

Gene: HSPG2 (heparan sulfate proteoglycan 2; minus strand). Cytogenetic location: 1p36.12.
Variant type: single nucleotide variant.
Coding change: c.8044C>T on transcript NM_005529.7 (MANE Select); coding-DNA position 8044, C replaced by T.
Protein change: p.Arg2682Trp; replaces arginine 2682 with tryptophan.
Molecular consequence: missense variant.
Genome position (GRCh38, 1-based): chr1:21,847,474, G>A on the plus strand (C>T on the coding strand, the complement: HSPG2 is on the minus strand). VCF-style: chr1-21847474-G-A. GRCh37 (hg19) VCF-style: chr1-22173967-G-A.
Other names: c.8047C>T, p.Arg2683Trp (NM_001291860.2); short protein forms R2682W, R2683W.
Identifiers: ClinVar variation 295780 (VCV000295780.69), dbSNP rs142458572, ClinGen allele CA670942.